The following is an entry in ClinVar:

NM_001371623.1(TCOF1):c.534C>T (p.Ser178=)

Gene: TCOF1 (treacle ribosome biogenesis factor 1; plus strand). Cytogenetic location: 5q32.
Variant type: single nucleotide variant.
Coding change: c.534C>T on transcript NM_001371623.1 (MANE Select); coding-DNA position 534, C replaced by T.
Protein change: p.Ser178=; no amino-acid change (serine 178 retained).
Molecular consequence: synonymous variant.
Genome position (GRCh38, 1-based): chr5:150,368,871, C>T. VCF-style: chr5-150368871-C-T. GRCh37 (hg19) VCF-style: chr5-149748434-C-T.
Other names: c.534C>T, p.Ser178= (NM_000356.4, NM_001008657.3, NM_001135243.2 and 3 more transcripts).
Identifiers: ClinVar variation 352195 (VCV000352195.37), dbSNP rs141250614, ClinGen allele CA3510579.

ClinVar aggregate classification (germline): Benign/Likely benign. Review status: criteria provided, multiple submitters, no conflicts (2 of 4 stars). 4 submissions from 4 submitters: Benign (2); Likely benign (2). Last evaluated 2026-01-01.

Conditions:
Treacher Collins syndrome 1 (TCS1). Also called: TCOF1-Related Treacher Collins Syndrome. Identifiers: Orphanet 861, MedGen CN315775, MONDO:0007944, OMIM 154500.

Allele frequency attached by ClinVar (database versions not stated): gnomAD exomes 0.00037; ExAC 0.00048; 1000 Genomes Project 0.00080; 1000 Genomes Project 30x 0.00094; gnomAD 0.00119 and 0.00132; TOPMed 0.00131; ESP Exome Variant Server 0.00154.
gnomAD v4.1: 348 of 1,613,856 alleles (0.022%); highest among the groups gnomAD compares: African/African-American, 0.4%; 1 homozygote.

Submissions (4):

CeGaT Center for Human Genetics Tuebingen
Classification: Likely benign. Last evaluated: 2026-01-01. Review status: criteria provided, single submitter. Criteria: CeGaT Center For Human Genetics Tuebingen Variant Classification Criteria Version 2. Collection method: clinical testing. Allele origin: germline. Affected: yes. Observed: 5 variant alleles.
Comment: TCOF1: BP4, BP7

Labcorp Genetics (formerly Invitae), Labcorp
Classification: Benign for Treacher Collins syndrome 1. Last evaluated: 2025-12-10. Review status: criteria provided, single submitter. Criteria: Invitae Variant Classification Sherloc (09022015). Collection method: clinical testing. Allele origin: germline.

Blueprint Genetics
Classification: Likely benign. Last evaluated: 2024-10-23. Review status: criteria provided, single submitter. Criteria: ACMG Guidelines, 2015. Collection method: clinical testing. Allele origin: germline.

GeneDx
Classification: Benign. Last evaluated: 2020-02-12. Review status: criteria provided, single submitter. Criteria: GeneDx Variant Classification Process June 2021. Collection method: clinical testing. Allele origin: germline. Affected: yes.